The following is an entry in ClinVar:

NM_004304.5(ALK):c.4045G>A (p.Asp1349Asn)

Gene: ALK (ALK receptor tyrosine kinase; minus strand). Cytogenetic location: 2p23.2.
Variant type: single nucleotide variant.
Coding change: c.4045G>A on transcript NM_004304.5 (MANE Select); coding-DNA position 4045, G replaced by A.
Protein change: p.Asp1349Asn; replaces aspartic acid 1349 with asparagine.
Molecular consequence: missense variant.
Genome position (GRCh38, 1-based): chr2:29,197,570, C>T on the plus strand (G>A on the coding strand, the complement: ALK is on the minus strand). VCF-style: chr2-29197570-C-T. GRCh37 (hg19) VCF-style: chr2-29420436-C-T.
Other names: c.841G>A, p.Asp281Asn (NM_001353765.2); short protein forms D1349N, D281N.
Identifiers: ClinVar variation 957377 (VCV000957377.9), dbSNP rs368744524, ClinGen allele CA346465923.
Genomic context (GRCh38, chr2:29,197,570, plus strand): 5'-AACTAGCAGAAGTGTTCCTAAAAGAGTCATACACAGGCCCAGGGCAGTTCTTGGGTGGGT[C>T]CATCCGGCCTCCACTGGTGACAAACTCCAGAACTTCCTGGTTGCTTTTGCTGGGGTATGG-3'
Protein context (NP_004295.2, residues 1339-1359): LEFVTSGGRM[Asp1349Asn]PPKNCPGPVY

ClinVar aggregate classification (germline): Uncertain significance (1 of 4 stars; one submission).

Conditions:
Neuroblastoma, susceptibility to, 3. Also called: ALK-Related Neuroblastic Tumor Susceptibility. Identifiers: Orphanet 635, MedGen C2751681, MONDO:0013083, OMIM 613014.

Submission:

Labcorp Genetics (formerly Invitae), Labcorp
Classification: Uncertain significance for Neuroblastoma, susceptibility to, 3. Last evaluated: 2025-12-11. Review status: criteria provided, single submitter. Criteria: Invitae Variant Classification Sherloc (09022015). Collection method: clinical testing. Allele origin: germline.
Comment: This sequence change replaces aspartic acid, which is acidic and polar, with asparagine, which is neutral and polar, at codon 1349 of the ALK protein (p.Asp1349Asn). This variant is not present in population databases (gnomAD no frequency). This variant has not been reported in the literature in individuals affected with ALK-related conditions. ClinVar contains an entry for this variant (Variation ID: 957377). An algorithm developed to predict the effect of missense changes on protein structure and function (PolyPhen-2) suggests that this variant is likely to be disruptive. In summary, the available evidence is currently insufficient to determine the role of this variant in disease. Therefore, it has been classified as a Variant of Uncertain Significance.